The following is an entry in ClinVar:

ClinVar aggregate classification (germline): Likely benign (1 of 4 stars; one submission).

Submission:

Women's Health and Genetics/Laboratory Corporation of America, LabCorp
Classification: Likely benign. Last evaluated: 2025-12-30. Review status: criteria provided, single submitter. Criteria: LabCorp Variant Classification Summary - May 2015. Collection method: clinical testing. Allele origin: germline.
Comment: Variant summary: COL12A1 c.3444-7_3444-6delAT alters a non-conserved nucleotide located at a position not widely known to affect splicing. Consensus agreement among computation tools predict no significant impact on normal splicing. However, these predictions have yet to be confirmed by functional studies. The frequency data for this variant in gnomAD is considered unreliable, as metrics indicate poor data quality at this position. To our knowledge, no occurrence of c.3444-7_3444-6delAT in individuals affected with COL12A1-related conditions and no experimental evidence demonstrating its impact on protein function have been reported. No submitters have cited clinical-significance assessments for this variant to ClinVar. Based on the evidence outlined above, the variant was classified as likely benign.

NM_004370.6(COL12A1):c.3444-7_3444-6del

Gene: COL12A1 (collagen type XII alpha 1 chain; minus strand). Cytogenetic location: 6q13.
Variant type: Deletion.
Coding change: c.3444-7_3444-6del on transcript NM_004370.6 (MANE Select); 7 bases into the intron before coding-DNA position 3444 through 6 bases into the intron before coding-DNA position 3444, 2 bases deleted (AT; older notation c.3444-7_3444-6delAT).
Molecular consequence: intron variant.
Genome position (GRCh38, 1-based): chr6:75,154,543-75,154,544, AT deleted on the plus strand (AT on the coding strand, the reverse complement: COL12A1 is on the minus strand). VCF-style (leftmost placement, unchanged base first): chr6-75154542-AAT-A. GRCh37 (hg19) VCF-style: chr6-75864258-AAT-A.
Other names: c.74-2062_74-2061del (NM_001424116.1, NM_080645.3); c.3171-7_3171-6del (NM_001424115.1); c.3444-7_3444-6del (NM_001424114.1, NM_001424113.1); c.3444-7_3444-6delAT (NM_004370.6).
Identifiers: ClinVar variation 4688324 (VCV004688324.1).
Genomic context (GRCh38, chr6:75,154,542, plus strand): 5'-AGCTTTCTCCTCCATCAAACATTCCAAAAACATTTACTTTATAGGTGGTACCAGCCCTAA[AAT>A]GTTAAAGTATATATATAGCCTGTGAGAACCATAGGCTCAAGTGGTAGCACTTTTTTTTTG-3'